The following is an entry in ClinVar:

NM_015021.3(ZNF292):c.463G>A (p.Ala155Thr)

Gene: ZNF292 (zinc finger protein 292; plus strand). Cytogenetic location: 6q14.3.
Variant type: single nucleotide variant.
Coding change: c.463G>A on transcript NM_015021.3 (MANE Select); coding-DNA position 463, G replaced by A.
Protein change: p.Ala155Thr; replaces alanine 155 with threonine.
Molecular consequence: missense variant.
Genome position (GRCh38, 1-based): chr6:87,218,656, G>A. VCF-style: chr6-87218656-G-A. GRCh37 (hg19) VCF-style: chr6-87928374-G-A.
Other names: c.43G>A, p.Ala15Thr (NM_001351444.2); short protein forms A155T, A15T.
Identifiers: ClinVar variation 1712712 (VCV001712712.3), dbSNP rs2482036628, ClinGen allele CA364922706.
Genomic context (GRCh38, chr6:87,218,656, plus strand): 5'-GTAGCTCATGAAAAGCTGATGGAGAATGGCAGCTGTGAATTGCATTTTTTAGCTACTCTA[G>A]CTCAAGAGACTGGGGTGTGGAAAAACCCGGTACTGTGCACTATTCTTTCCCAGGAACCAT-3'
Protein context (NP_055836.1, residues 145-165): SCELHFLATL[Ala155Thr]QETGVWKNPV

ClinVar aggregate classification (germline): Uncertain significance (1 of 4 stars; one submission).

gnomAD v4.1: 2 of 1,587,894 alleles (0.00013%); highest among the groups gnomAD compares: Non-Finnish European, 0.00017%; no homozygotes.

Submission:

GeneDx
Classification: Uncertain significance. Last evaluated: 2024-08-13. Review status: criteria provided, single submitter. Criteria: GeneDx Variant Classification Process June 2021. Collection method: clinical testing. Allele origin: germline.
Comment: Not observed at significant frequency in large population cohorts (gnomAD); In silico analysis indicates that this missense variant does not alter protein structure/function; Has not been previously published as pathogenic or benign to our knowledge